The following is an entry in ClinVar:

ClinVar aggregate classification (germline): Benign. Review status: criteria provided, multiple submitters, no conflicts (2 of 4 stars). 2 submissions from 2 submitters: Benign (2). Last evaluated 2019-08-13.

Conditions:
Amyotrophic neuralgia (HNA). Also called: AMYOTROPHY, HEREDITARY NEURALGIC; Hereditary Brachial Plexus Neuropathy; Neuritis with Brachial Predilection; AMYOTROPHY, HEREDITARY NEURALGIC, WITH PREDILECTION FOR BRACHIAL PLEXUS. Identifiers: Orphanet 2901, MedGen C1834304, MONDO:0008076, OMIM 162100.

Allele frequency attached by ClinVar (database versions not stated): gnomAD exomes 0.00287; gnomAD 0.03293 and 0.03538; TOPMed 0.03694; 1000 Genomes Project 0.03734; 1000 Genomes Project 30x 0.03904.
gnomAD v4.1: 8,487 of 1,307,052 alleles (0.65%); highest among the groups gnomAD compares: African/African-American, 11%; 479 homozygotes.

Submissions (2):

GeneDx
Classification: Benign. Last evaluated: 2019-08-13. Review status: criteria provided, single submitter. Criteria: GeneDx Variant Classification Process June 2021. Collection method: clinical testing. Allele origin: germline. Affected: yes.

Illumina Laboratory Services, Illumina
Classification: Benign for Amyotrophy, hereditary neuralgic. Last evaluated: 2017-04-27. Review status: criteria provided, single submitter. Criteria: ICSL Variant Classification Criteria 13 December 2019. Collection method: clinical testing. Allele origin: germline.
Comment: This variant was observed as part of a predisposition screen in an ostensibly healthy population. A literature search was performed for the gene, cDNA change, and amino acid change (where applicable). No publications were found based on this search. Allele frequency data from public databases was too high to be consistent with this variant causing disease. Therefore, this variant is classified as benign.

NM_001113491.2(SEPTIN9):c.76+12812C>T

Gene: SEPTIN9 (septin 9; plus strand). Cytogenetic location: 17q25.3.
Variant type: single nucleotide variant.
Coding change: c.76+12812C>T on transcript NM_001113491.2 (MANE Select); 12812 bases into the intron after coding-DNA position 76, C replaced by T.
Molecular consequence: intron variant. On other transcripts: 5 prime UTR variant (1).
Genome position (GRCh38, 1-based): chr17:77,320,009, C>T. VCF-style: chr17-77320009-C-T. GRCh37 (hg19) VCF-style: chr17-75316091-C-T.
Other names: c.-318C>T (NM_006640.5); c.19+38455C>T (NM_001293695.2); c.-417+12812C>T (NM_001113492.2).
Identifiers: ClinVar variation 325533 (VCV000325533.6), dbSNP rs75147264, ClinGen allele CA10646957.
Genomic context (GRCh38, chr17:77,320,009, plus strand): 5'-GACCGGGCGGCCGGGACTCTGGGACTCTCGCAGGCAGACCCGGTGGTCTGCCGGACTCCT[C>T]GGGGCCCACTTCGGGCCCTCTCTCCTGCCTCCTATTTTTGGATTTCTCTCCTTTGCTCCC-3'